The following is an entry in ClinVar:

ClinVar aggregate classification (germline): Uncertain significance. Review status: criteria provided, multiple submitters, no conflicts (2 of 4 stars). 2 submissions from 2 submitters: Uncertain significance (2). Last evaluated 2025-12-16.

Conditions:
Cardiovascular phenotype. Identifiers: MedGen CN230736.
Dilated cardiomyopathy 1DD (CMD1DD). Identifiers: Orphanet 154, MedGen C2750995, MONDO:0013168, OMIM 613172.

Allele frequency attached by ClinVar (database versions not stated): gnomAD exomes below 0.00001; TOPMed below 0.00001.
gnomAD v4.1: 1 of 1,551,702 alleles (0.000064%); highest among the groups gnomAD compares: Admixed American, 0.002%; no homozygotes.

Submissions (2):

Ambry Genetics
Classification: Uncertain significance for Cardiovascular phenotype. Last evaluated: 2025-12-16. Review status: criteria provided, single submitter. Criteria: Ambry Variant Classification Scheme 2023. Collection method: clinical testing. Allele origin: germline.
Comment: The p.R683G variant (also known as c.2047A>G), located in coding exon 9 of the RBM20 gene, results from an A to G substitution at nucleotide position 2047. The arginine at codon 683 is replaced by glycine, an amino acid with dissimilar properties. This amino acid position is conserved. In addition, this alteration is predicted to be tolerated by in silico analysis. Based on the available evidence, the clinical significance of this variant remains unclear.

Labcorp Genetics (formerly Invitae), Labcorp
Classification: Uncertain significance for Dilated cardiomyopathy 1DD. Last evaluated: 2022-05-31. Review status: criteria provided, single submitter. Criteria: Invitae Variant Classification Sherloc (09022015). Collection method: clinical testing. Allele origin: germline.
Comment: Advanced modeling of protein sequence and biophysical properties (such as structural, functional, and spatial information, amino acid conservation, physicochemical variation, residue mobility, and thermodynamic stability) performed at Invitae indicates that this missense variant is not expected to disrupt RBM20 protein function. This sequence change replaces arginine, which is basic and polar, with glycine, which is neutral and non-polar, at codon 683 of the RBM20 protein (p.Arg683Gly). This variant is not present in population databases (gnomAD no frequency). This variant has not been reported in the literature in individuals affected with RBM20-related conditions. In summary, the available evidence is currently insufficient to determine the role of this variant in disease. Therefore, it has been classified as a Variant of Uncertain Significance.

NM_001134363.3(RBM20):c.2047A>G (p.Arg683Gly)

Gene: RBM20 (RNA binding motif protein 20; plus strand). Cytogenetic location: 10q25.2.
Variant type: single nucleotide variant.
Coding change: c.2047A>G on transcript NM_001134363.3 (MANE Select); coding-DNA position 2047, A replaced by G.
Protein change: p.Arg683Gly; replaces arginine 683 with glycine.
Molecular consequence: missense variant.
Genome position (GRCh38, 1-based): chr10:110,812,444, A>G. VCF-style: chr10-110812444-A-G. GRCh37 (hg19) VCF-style: chr10-112572202-A-G.
Other names: short protein forms R683G.
Identifiers: ClinVar variation 2418183 (VCV002418183.7), dbSNP rs1844781705, ClinGen allele CA378371132.